The following is an entry in ClinVar:

NM_022051.3(EGLN1):c.599C>T (p.Pro200Leu)

Gene: EGLN1 (egl-9 family hypoxia inducible factor 1; minus strand). Cytogenetic location: 1q42.2.
Variant type: single nucleotide variant.
Coding change: c.599C>T on transcript NM_022051.3 (MANE Select); coding-DNA position 599, C replaced by T.
Protein change: p.Pro200Leu; replaces proline 200 with leucine.
Molecular consequence: missense variant.
Genome position (GRCh38, 1-based): chr1:231,421,290, G>A on the plus strand (C>T on the coding strand, the complement: EGLN1 is on the minus strand). VCF-style: chr1-231421290-G-A. GRCh37 (hg19) VCF-style: chr1-231557036-G-A.
Other names: c.599C>T, p.Pro200Leu (NM_001377260.1, NM_001377261.1); short protein forms P200L.
Identifiers: ClinVar variation 1750938 (VCV001750938.5), dbSNP rs1259087764, ClinGen allele CA345236380.
Genomic context (GRCh38, chr1:231,421,290, plus strand): 5'-TGTCCGGTCTCCTTGCCGAGGAAGTCGTCCACCACACAGATGCCGTGCTTGTTCATGCAC[G>A]GCACGATGTACTCGAGCGCCAGCTTCAGCGCCGGCAGGGGCTTCGTCTGCCCGTTGGGCC-3'
Protein context (NP_071334.1, residues 190-210): ALKLALEYIV[Pro200Leu]CMNKHGICVV

ClinVar aggregate classification (germline): Uncertain significance. Review status: criteria provided, multiple submitters, no conflicts (2 of 4 stars). 2 submissions from 2 submitters: Uncertain significance (2). Last evaluated 2024-06-26.

Conditions:
Erythrocytosis, familial, 3 (ECYT3). Identifiers: Orphanet 247511, MedGen C1853286, MONDO:0012353, OMIM 609820.

Allele frequency attached by ClinVar (database versions not stated): gnomAD exomes below 0.00001.
gnomAD v4.1: 2 of 1,613,246 alleles (0.00012%); highest among the groups gnomAD compares: Non-Finnish European, 0.00017%; no homozygotes.

Submissions (2):

Labcorp Genetics (formerly Invitae), Labcorp
Classification: Uncertain significance for Erythrocytosis, familial, 3. Last evaluated: 2024-06-26. Review status: criteria provided, single submitter. Criteria: Invitae Variant Classification Sherloc (09022015). Collection method: clinical testing. Allele origin: germline.
Comment: This sequence change replaces proline, which is neutral and non-polar, with leucine, which is neutral and non-polar, at codon 200 of the EGLN1 protein (p.Pro200Leu). This variant is not present in population databases (gnomAD no frequency). This missense change has been observed in individual(s) with clinical features of erythrocytosis (PMID: 37317877). ClinVar contains an entry for this variant (Variation ID: 1750938). An algorithm developed to predict the effect of missense changes on protein structure and function (PolyPhen-2) suggests that this variant is likely to be disruptive. In summary, the available evidence is currently insufficient to determine the role of this variant in disease. Therefore, it has been classified as a Variant of Uncertain Significance.

Ambry Genetics
Classification: Uncertain significance. Last evaluated: 2023-08-28. Review status: criteria provided, single submitter. Criteria: Ambry Variant Classification Scheme 2023. Collection method: clinical testing. Allele origin: germline.
Comment: The p.P200L variant (also known as c.599C>T), located in coding exon 1 of the EGLN1 gene, results from a C to T substitution at nucleotide position 599. The proline at codon 200 is replaced by leucine, an amino acid with similar properties. This amino acid position is conserved. In addition, this alteration is predicted to be tolerated by in silico analysis. Since supporting evidence is limited at this time, the clinical significance of this alteration remains unclear.

Literature cited by the submitters: PubMed 37317877 (cited by Labcorp Genetics (formerly Invitae), Labcorp).